The following is an entry in ClinVar:

ClinVar aggregate classification (germline): Conflicting classifications of pathogenicity. Review status: criteria provided, conflicting classifications (1 of 4 stars). 4 submissions from 4 submitters: Uncertain significance (1); Benign (1); Likely benign (1). 1 of the submissions does not count toward it. Last evaluated 2025-09-16.

Conditions:
DYSF-related disorder. Also called: DYSF-related condition; DYSF-related disorders.
Neuromuscular disease caused by qualitative or quantitative defects of dysferlin. Also called: Dysferlinopathy; Qualitative or quantitative defects of dysferlin. Identifiers: Orphanet 207073, MedGen C2931687, MONDO:0016145.

Allele frequency attached by ClinVar (database versions not stated): gnomAD 0.00001; TOPMed 0.00004; gnomAD exomes 0.00005 and 0.00011; ExAC 0.00007.
gnomAD v4.1: 32 of 1,614,028 alleles (0.002%); highest among the groups gnomAD compares: Admixed American, 0.05%; no homozygotes.

Submissions (4):

Athena Diagnostics
Classification: Benign. Last evaluated: 2025-09-16. Review status: criteria provided, single submitter. Criteria: Athena Diagnostics Criteria. Collection method: clinical testing. Allele origin: unknown.
Comment: The frequency of this variant in the general population is higher than would generally be expected for pathogenic variants in this gene. Computational tools yielded predictions that this variant is unlikely to have an effect on normal RNA splicing. This nucleotide position exhibits low evolutionary conservation.

Labcorp Genetics (formerly Invitae), Labcorp
Classification: Likely benign for Neuromuscular disease caused by qualitative or quantitative defects of dysferlin. Last evaluated: 2025-09-14. Review status: criteria provided, single submitter. Criteria: Invitae Variant Classification Sherloc (09022015). Collection method: clinical testing. Allele origin: germline.

Eurofins Ntd Llc (ga)
Classification: Uncertain significance. Last evaluated: 2017-11-30. Review status: criteria provided, single submitter. Criteria: EGL Classification Definitions 2015. Collection method: clinical testing. Allele origin: germline. Observed: 1 variant allele, 1 heterozygote.

PreventionGenetics, part of Exact Sciences
Classification: Likely benign for DYSF-related condition. Last evaluated: 2019-08-13. Review status: no assertion criteria provided. Collection method: clinical testing. Allele origin: germline. Not counted in ClinVar's aggregate classification.
Comment: This variant is classified as likely benign based on ACMG/AMP sequence variant interpretation guidelines (Richards et al. 2015 PMID: 25741868, with internal and published modifications).

NM_001130987.2(DYSF):c.5427C>G (p.Leu1809=)

Gene: DYSF (dysferlin; plus strand). Cytogenetic location: 2p13.2.
Variant type: single nucleotide variant.
Coding change: c.5427C>G on transcript NM_001130987.2 (MANE Select); coding-DNA position 5427, C replaced by G.
Protein change: p.Leu1809=; no amino-acid change (leucine 1809 retained).
Molecular consequence: synonymous variant.
Genome position (GRCh38, 1-based): chr2:71,667,485, C>G. VCF-style: chr2-71667485-C-G. GRCh37 (hg19) VCF-style: chr2-71894615-C-G.
Other names: c.5310C>G, p.Leu1770= (NM_003494.4); c.5271C>G, p.Leu1757= (NM_001130986.2); c.5364C>G, p.Leu1788= (NM_001130985.2); c.5334C>G, p.Leu1778= (NM_001130984.2); c.5376C>G, p.Leu1792= (NM_001130983.2); c.5406C>G, p.Leu1802= (NM_001130982.2); c.5424C>G, p.Leu1808= (NM_001130981.2); c.5361C>G, p.Leu1787= (NM_001130980.2); and 5 more.
Identifiers: ClinVar variation 595184 (VCV000595184.18), dbSNP rs763198861, ClinGen allele CA1707359.